The following is an entry in ClinVar:

ClinVar aggregate classification (germline): Likely benign (1 of 4 stars; one submission).

Conditions:
Hereditary factor VIII deficiency disease (HEMA). Also called: AUTOSOMAL HEMOPHILIA A; Hemophilia A; Hemophilia A, congenital; HEM A; Factor 8 deficiency, congenital; HEMOPHILIA, CLASSIC. Identifiers: Orphanet 98878, MedGen C0019069, MONDO:0010602, OMIM 306700.

Allele frequency attached by ClinVar (database versions not stated): gnomAD exomes 0.00002 and 0.00008; gnomAD 0.00003 and 0.00005; TOPMed 0.00003; ExAC 0.00010; 1000 Genomes Project 0.00053; 1000 Genomes Project 30x 0.00062.
gnomAD v4.1: 33 of 1,209,378 alleles (0.0027%); highest among the groups gnomAD compares: East Asian, 0.086%; no homozygotes.

Submissions (2):

Illumina Laboratory Services, Illumina
Classification: Likely benign for Hereditary factor VIII deficiency disease. Last evaluated: 2017-04-28. Review status: criteria provided, single submitter. Criteria: ICSL Variant Classification Criteria 13 December 2019. Collection method: clinical testing. Allele origin: germline.
Comment: This variant was observed as part of a predisposition screen in an ostensibly healthy population. A literature search was performed for the gene, cDNA change, and amino acid change (where applicable). Publications were found based on this search. The evidence from the literature, in combination with allele frequency data from public databases where available, was sufficient to determine this variant is unlikely to cause disease. Therefore, this variant is classified as likely benign.

Dr. Peter K. Rogan Lab, Western University
No classification provided (evidence only). Condition: Familial cancer of breast. Review status: no classification provided. Collection method: in vitro. Allele origin: not applicable. Functional consequence: retained intron. Not counted in ClinVar's aggregate classification.

Literature cited by the submitters: PubMed 10609755 (cited by Illumina Laboratory Services, Illumina); PubMed 24108539 (cited by Illumina Laboratory Services, Illumina); PubMed 21645226 (cited by Illumina Laboratory Services, Illumina); PubMed 11189482 (cited by Illumina Laboratory Services, Illumina).

NM_000132.4(F8):c.2535C>A (p.Asp845Glu)

Gene: F8 (coagulation factor VIII; minus strand). Cytogenetic location: Xq28.
Variant type: single nucleotide variant.
Coding change: c.2535C>A on transcript NM_000132.4 (MANE Select); coding-DNA position 2535, C replaced by A.
Protein change: p.Asp845Glu; replaces aspartic acid 845 with glutamic acid.
Molecular consequence: missense variant.
Genome position (GRCh38, 1-based): chrX:154,931,255, G>T on the plus strand (C>A on the coding strand, the complement: F8 is on the minus strand). VCF-style: chrX-154931255-G-T. GRCh37 (hg19) VCF-style: chrX-154159530-G-T.
Other names: NC_000023.10:g.154159530G>T; short protein forms D845E.
Identifiers: ClinVar variation 368121 (VCV000368121.6), dbSNP rs200316756, ClinGen allele CA10568309.